The following is an entry in ClinVar:

NM_005236.3(ERCC4):c.148C>T (p.Gln50Ter)

Genes: ERCC4 (ERCC excision repair 4, endonuclease catalytic subunit; plus strand), LOC130058543 (ATAC-STARR-seq lymphoblastoid active region 10486; plus strand). Cytogenetic location: 16p13.12.
Variant type: single nucleotide variant.
Coding change: c.148C>T on transcript NM_005236.3 (MANE Select); coding-DNA position 148, C replaced by T.
Protein change: p.Gln50Ter; replaces glutamine 50 with a stop codon.
Molecular consequence: nonsense.
Genome position (GRCh38, 1-based): chr16:13,920,313, C>T. VCF-style: chr16-13920313-C-T. GRCh37 (hg19) VCF-style: chr16-14014170-C-T.
Other names: short protein forms Q50*.
Identifiers: ClinVar variation 2932701 (VCV002932701.3), dbSNP rs2543161364, ClinGen allele CA394816321.
Genomic context (GRCh38, chr16:13,920,313, plus strand): 5'-GACGGGCTAGTAGTGTGCGCCCGCGGGCTCGGCGCGGACCGGCTCCTCTACCACTTTCTC[C>T]AGCTGCACTGCCACCCAGCCTGCCTGGTGCTGGTGCTCAACACGCAGCCGGCCGAGGAGG-3'

ClinVar aggregate classification (germline): Pathogenic (1 of 4 stars; one submission).

Conditions:
Xeroderma pigmentosum, group F (XPF). Also called: XERODERMA PIGMENTOSUM, COMPLEMENTATION GROUP F; XERODERMA PIGMENTOSUM, TYPE F; Xeroderma pigmentosum, type 6; XERODERMA PIGMENTOSUM VI; XP, GROUP F; ERCC4-Related Xeroderma Pigmentosum. Identifiers: MedGen C0268140, MONDO:0010215, OMIM 278760.
Fanconi anemia complementation group Q. Identifiers: Orphanet 84, MedGen C3808988, MONDO:0014108, OMIM 615272.
Cockayne syndrome. Identifiers: Orphanet 191, MedGen C0009207, MONDO:0016006.

Allele frequency attached by ClinVar (database versions not stated): gnomAD exomes 0.00001.
gnomAD v4.1: 3 of 1,602,176 alleles (0.00019%); highest among the groups gnomAD compares: South Asian, 0.0011%; no homozygotes.

Submission:

Labcorp Genetics (formerly Invitae), Labcorp
Classification: Pathogenic for Fanconi anemia complementation group Q; Xeroderma pigmentosum, group F; Cockayne syndrome. Last evaluated: 2023-12-12. Review status: criteria provided, single submitter. Criteria: Invitae Variant Classification Sherloc (09022015). Collection method: clinical testing. Allele origin: germline.
Comment: This sequence change creates a premature translational stop signal (p.Gln50*) in the ERCC4 gene. It is expected to result in an absent or disrupted protein product. Loss-of-function variants in ERCC4 are known to be pathogenic (PMID: 9580660). This variant is not present in population databases (gnomAD no frequency). This variant has not been reported in the literature in individuals affected with ERCC4-related conditions. For these reasons, this variant has been classified as Pathogenic.

Literature cited by the submitters: PubMed 9580660.